The following is an entry in ClinVar:

ClinVar aggregate classification (germline): Uncertain significance. Review status: criteria provided, multiple submitters, no conflicts (2 of 4 stars). 3 submissions from 3 submitters: Uncertain significance (3). Last evaluated 2025-06-18.

Conditions:
Inborn genetic diseases. Identifiers: MedGen C0950123, MeSH D030342.

Allele frequency attached by ClinVar (database versions not stated): gnomAD exomes below 0.00001; TOPMed below 0.00001.
gnomAD v4.1: 1 of 1,244,868 alleles (0.00008%); highest among the groups gnomAD compares: Admixed American, 0.0042%; no homozygotes.

Submissions (3):

GeneDx
Classification: Uncertain significance. Last evaluated: 2025-06-18. Review status: criteria provided, single submitter. Criteria: GeneDx Variant Classification Process June 2021. Collection method: clinical testing. Allele origin: germline. Affected: yes.
Comment: Reported in an individual with developmental delays, mild intellectual disability, apraxia, hypotonia, and dysmorphic features (PMID: 36599938); Not observed at significant frequency in large population cohorts (gnomAD); In silico analysis suggests that this missense variant does not alter protein structure/function; This variant is associated with the following publications: (PMID: 36599938)

Labcorp Genetics (formerly Invitae), Labcorp
Classification: Uncertain significance. Last evaluated: 2022-12-25. Review status: criteria provided, single submitter. Criteria: Invitae Variant Classification Sherloc (09022015). Collection method: clinical testing. Allele origin: germline.
Comment: This sequence change replaces glycine, which is neutral and non-polar, with arginine, which is basic and polar, at codon 160 of the CDK13 protein (p.Gly160Arg). This variant is not present in population databases (gnomAD no frequency). This variant has not been reported in the literature in individuals affected with CDK13-related conditions. ClinVar contains an entry for this variant (Variation ID: 521529). Advanced modeling of protein sequence and biophysical properties (such as structural, functional, and spatial information, amino acid conservation, physicochemical variation, residue mobility, and thermodynamic stability) performed at Invitae indicates that this missense variant is not expected to disrupt CDK13 protein function. In summary, the available evidence is currently insufficient to determine the role of this variant in disease. Therefore, it has been classified as a Variant of Uncertain Significance.

Ambry Genetics
Classification: Uncertain significance for Inborn genetic diseases. Last evaluated: 2017-01-19. Review status: criteria provided, single submitter. Criteria: Ambry exome assertion method (8-5-2015). Collection method: clinical testing. Allele origin: germline. Affected: yes. Observed: 1 variant allele.

NM_003718.5(CDK13):c.478G>C (p.Gly160Arg)

Genes: CDK13 (cyclin dependent kinase 13; plus strand), LOC129998292 (ATAC-STARR-seq lymphoblastoid silent region 18115; plus strand). Cytogenetic location: 7p14.1.
Variant type: single nucleotide variant.
Coding change: c.478G>C on transcript NM_003718.5 (MANE Select); coding-DNA position 478, G replaced by C.
Protein change: p.Gly160Arg; replaces glycine 160 with arginine.
Molecular consequence: missense variant.
Genome position (GRCh38, 1-based): chr7:39,951,119, G>C. VCF-style: chr7-39951119-G-C. GRCh37 (hg19) VCF-style: chr7-39990718-G-C.
Other names: c.478G>C, p.Gly160Arg (NM_031267.4); short protein forms G160R.
Identifiers: ClinVar variation 521529 (VCV000521529.10), dbSNP rs1554317112, ClinGen allele CA367309831.